The following is an entry in ClinVar:

NM_014639.4(SKIC3):c.710A>G (p.Gln237Arg)

Gene: SKIC3 (SKI3 subunit of superkiller complex; minus strand). Cytogenetic location: 5q15.
Variant type: single nucleotide variant.
Coding change: c.710A>G on transcript NM_014639.4 (MANE Select); coding-DNA position 710, A replaced by G.
Protein change: p.Gln237Arg; replaces glutamine 237 with arginine.
Molecular consequence: missense variant.
Genome position (GRCh38, 1-based): chr5:95,536,858, T>C on the plus strand (A>G on the coding strand, the complement: SKIC3 is on the minus strand). VCF-style: chr5-95536858-T-C. GRCh37 (hg19) VCF-style: chr5-94872562-T-C.
Other names: short protein forms Q237R.
Identifiers: ClinVar variation 2429430 (VCV002429430.3), dbSNP rs1002085298, ClinGen allele CA122831245.

ClinVar aggregate classification (germline): Uncertain significance (1 of 4 stars; one submission).

Allele frequency attached by ClinVar (database versions not stated): gnomAD exomes below 0.00001; TOPMed below 0.00001.
gnomAD v4.1: 2 of 1,613,712 alleles (0.00012%); highest among the groups gnomAD compares: Non-Finnish European, 0.00017%; no homozygotes.

Submission:

Illumina Laboratory Services, Illumina
Classification: Uncertain significance. Last evaluated: 2022-12-21. Review status: criteria provided, single submitter. Criteria: ICSL CNVClassificationCriteria Aug2020. Collection method: clinical testing. Allele origin: unknown. Affected: yes.
Comment: The SKIC3 c.710A>G (p.Gln237Arg) missense variant results in the substitution of glutamine at amino acid position 237 with arginine. To our knowledge, this variant has not been reported in the peer-reviewed literature. This variant is not found in version 2.1.1 or version 3.1.2 of the Genome Aggregation Database. This variant occurs in a gene for which primarily truncating variants are known to be disease-causing. In silico tools consistently predict benign effect of the variant on the protein. Based on the available evidence, the c.710A>G (p.Gln237Arg) variant is classified as a variant of uncertain significance.